The following is an entry in ClinVar:

ClinVar aggregate classification (germline): Uncertain significance (1 of 4 stars; one submission).

gnomAD v4.1: 9 of 1,614,146 alleles (0.00056%); highest among the groups gnomAD compares: Admixed American, 0.0033%; no homozygotes.

Submission:

Women's Health and Genetics/Laboratory Corporation of America, LabCorp
Classification: Uncertain significance. Last evaluated: 2024-10-16. Review status: criteria provided, single submitter. Criteria: LabCorp Variant Classification Summary - May 2015. Collection method: clinical testing. Allele origin: germline.
Comment: Variant summary: ZNF462 c.1565G>A (p.Ser522Asn) results in a conservative amino acid change in the encoded protein sequence. Four of five in-silico tools predict a benign effect of the variant on protein function. The variant allele was found at a frequency of 2e-05 in 251476 control chromosomes. The available data on variant occurrences in the general population are insufficient to allow any conclusion about variant significance. To our knowledge, no occurrence of c.1565G>A in individuals affected with Weiss-Kruszka Syndrome and no experimental evidence demonstrating its impact on protein function have been reported. No submitters have cited clinical-significance assessments for this variant to ClinVar. Based on the evidence outlined above, the variant was classified as uncertain significance.

NM_021224.6(ZNF462):c.1565G>A (p.Ser522Asn)

Gene: ZNF462 (zinc finger protein 462; plus strand). Cytogenetic location: 9q31.2.
Variant type: single nucleotide variant.
Coding change: c.1565G>A on transcript NM_021224.6 (MANE Select); coding-DNA position 1565, G replaced by A.
Protein change: p.Ser522Asn; replaces serine 522 with asparagine.
Molecular consequence: missense variant.
Genome position (GRCh38, 1-based): chr9:106,925,477, G>A. VCF-style: chr9-106925477-G-A. GRCh37 (hg19) VCF-style: chr9-109687758-G-A.
Other names: c.1565G>A, p.Ser522Asn (NM_001347997.2); short protein forms S522N.
Identifiers: ClinVar variation 3385282 (VCV003385282.1).